The following is an entry in ClinVar:

ClinVar aggregate classification (germline): Pathogenic (1 of 4 stars; one submission).

Conditions:
Chromosome 13q33-q34 deletion syndrome. Identifiers: MedGen C5436890, MONDO:0030896, OMIM 619148.

Submission:

Broad Center for Mendelian Genomics, Broad Institute of MIT and Harvard
Classification: Pathogenic for Chromosome 13q33-q34 deletion syndrome. Last evaluated: 2023-08-24. Review status: criteria provided, single submitter. Criteria: ACMG/ClinGen CNV Guidelines, 2019. Collection method: research. Allele origin: unknown. Inheritance: Autosomal dominant inheritance. Affected: yes.
Comment: These breakpoints have been estimated by exome sequencing only and therefore may not reflect the true breakpoints. Inheritance information is unavailable. The patient phenotype is nonspecific, but is consistent with cases described in the literature and/or published databases with overlapping variants. There is partial overlap with the 5’ end of the CHAMP1 gene including coding sequence, which has emerging evidence for haploinsufficiency, and has been assessed by the ClinGen Dosage Sensitivity Working Group. Two reported probands from the literature (PMID: 18203171, 32616040) have a copy-number loss in 13q33-q34 similar in genomic content to the variant in our study. The variants reported are assumed de novo and the reported phenotype is nonspecific. In summary, this variant meets criteria to be classified as pathogenic for autosomal dominant chromosome 13q33-q34 deletion syndrome. The ACMG/ClinGen evidence codes and points used in this curation are as follows: 1: 0 points, 2: 0.90 points, 3: 0.45 points, 4: 0.2 points, 5: 0.1 points Total: 1.65 points; Riggs 2020 (PMID: 31690835).

Literature cited by the submitters: PubMed 18203171; PubMed 32616040.

GRCh38/hg38 13q33.3-34(chr13:106425676-114326445)x1

Genes: MCF2L (MCF.2 cell line derived transforming sequence like; plus strand), MCF2L-AS1 (MCF2L antisense RNA 1; minus strand), MIR1267 (microRNA 1267; minus strand), MIR4502 (microRNA 4502; plus strand), MIR548AR (microRNA 548ar; plus strand) and 310 more. Cytogenetic location: 13q33.3-34.
Variant type: copy number loss.
Change: copy number 1 (one copy instead of two) of chr13:106,425,676-114,326,445 (7.90 Mb, GRCh38 coordinates, 1-based), cytogenetic band 13q33.3-34.
Identifiers: ClinVar variation 2579202 (VCV002579202.1).